The following is an entry in ClinVar:

NM_005235.3(ERBB4):c.1902_1903dup (p.Tyr635fs)

Gene: ERBB4 (erb-b2 receptor tyrosine kinase 4; minus strand). Cytogenetic location: 2q34.
Variant type: Duplication.
Coding change: c.1902_1903dup on transcript NM_005235.3 (MANE Select); coding-DNA positions 1902 to 1903, 2 bases duplicated (TT; older notation c.1902_1903dupTT).
Protein change: p.Tyr635fs; shifts the reading frame from tyrosine 635.
Molecular consequence: frameshift variant.
Genome position (GRCh38, 1-based): chr2:211,657,797-211,657,798, AA duplicated on the plus strand (TT on the coding strand, the reverse complement: ERBB4 is on the minus strand); duplicating any 2 consecutive bases within chr2:211,657,797-211,657,799 gives the same sequence; the c. name uses the placement nearest the transcript's 3' end. VCF-style (leftmost placement, unchanged base first): chr2-211657796-T-TAA. GRCh37 (hg19) VCF-style: chr2-212522521-T-TAA.
Other names: c.1901_1902dup, p.Tyr635Phefs (NM_001042599.2); short protein forms Y635fs.
Identifiers: ClinVar variation 3670143 (VCV003670143.2).

ClinVar aggregate classification (germline): Uncertain significance (1 of 4 stars; one submission).

Submission:

Labcorp Genetics (formerly Invitae), Labcorp
Classification: Uncertain significance. Last evaluated: 2024-03-27. Review status: criteria provided, single submitter. Criteria: Invitae Variant Classification Sherloc (09022015). Collection method: clinical testing. Allele origin: germline.
Comment: This sequence change creates a premature translational stop signal (p.Tyr635Phefs*19) in the ERBB4 gene. It is expected to result in an absent or disrupted protein product. However, the current clinical and genetic evidence is not sufficient to establish whether loss-of-function variants in ERBB4 cause disease. This variant is not present in population databases (gnomAD no frequency). This variant has not been reported in the literature in individuals affected with ERBB4-related conditions. In summary, the available evidence is currently insufficient to determine the role of this variant in disease. Therefore, it has been classified as a Variant of Uncertain Significance.